The following is an entry in ClinVar:

ClinVar aggregate classification (germline): Benign/Likely benign. Review status: criteria provided, multiple submitters, no conflicts (2 of 4 stars). 7 submissions from 7 submitters: Benign (3); Likely benign (2). 2 of the submissions do not count toward it. Last evaluated 2026-02-03.

Conditions:
EHMT1-related disorder. Also called: EHMT1-related condition.
Inborn genetic diseases. Identifiers: MedGen C0950123, MeSH D030342.
Kleefstra syndrome 1 (KLEFS1). Identifiers: Orphanet 261494, MedGen C0795833, MONDO:0027407, OMIM 610253.

Allele frequency attached by ClinVar (database versions not stated): gnomAD exomes 0.00045 and 0.00114; ESP Exome Variant Server 0.00431; gnomAD 0.00489 and 0.00471; TOPMed 0.00521; 1000 Genomes Project 0.00679; 1000 Genomes Project 30x 0.00781; ExAC 0.00131.
gnomAD v4.1: 1,403 of 1,613,286 alleles (0.087%); highest among the groups gnomAD compares: African/African-American, 1.6%; 20 homozygotes.

Submissions (7):

Labcorp Genetics (formerly Invitae), Labcorp
Classification: Benign for Kleefstra syndrome 1. Last evaluated: 2026-02-03. Review status: criteria provided, single submitter. Criteria: Invitae Variant Classification Sherloc (09022015). Collection method: clinical testing. Allele origin: germline.

GeneDx
Classification: Benign. Last evaluated: 2019-09-03. Review status: criteria provided, single submitter. Criteria: GeneDx Variant Classification Process June 2021. Collection method: clinical testing. Allele origin: germline. Affected: yes.

Ambry Genetics
Classification: Benign for Inborn genetic diseases. Last evaluated: 2016-10-13. Review status: criteria provided, single submitter. Criteria: Ambry Variant Classification Scheme 2023. Collection method: clinical testing. Allele origin: germline.

Center for Pediatric Genomic Medicine, Children's Mercy Hospital and Clinics
Classification: Likely benign. Last evaluated: 2016-09-23. Review status: criteria provided, single submitter. Criteria: ACMG Guidelines, 2015. Collection method: clinical testing. Allele origin: germline.
ClinVar note: Converted during submission from Likely Benign to Likely benign.

Breakthrough Genomics
Classification: Likely benign. Review status: criteria provided, single submitter. Criteria: ACMG Guidelines, 2015. Collection method: not provided. Allele origin: germline. Inheritance: Autosomal dominant inheritance. Affected: yes.

PreventionGenetics, part of Exact Sciences
Classification: Benign for EHMT1-related condition. Last evaluated: 2019-04-04. Review status: no assertion criteria provided. Collection method: clinical testing. Allele origin: germline. Not counted in ClinVar's aggregate classification.
Comment: This variant is classified as benign based on ACMG/AMP sequence variant interpretation guidelines (Richards et al. 2015 PMID: 25741868, with internal and published modifications).

Genetic Services Laboratory, University of Chicago
Classification: Likely benign for AllHighlyPenetrant. Review status: no assertion criteria provided. Collection method: clinical testing. Allele origin: germline. Inheritance: Autosomal dominant inheritance. Not counted in ClinVar's aggregate classification.
Comment: Likely benign based on allele frequency in 1000 Genomes Project or ESP global frequency and its presence in a patient with a rare or unrelated disease phenotype. NOT Sanger confirmed.

NM_024757.5(EHMT1):c.316C>G (p.Gln106Glu)

Gene: EHMT1 (euchromatic histone lysine methyltransferase 1; plus strand). Cytogenetic location: 9q34.3.
Variant type: single nucleotide variant.
Coding change: c.316C>G on transcript NM_024757.5 (MANE Select); coding-DNA position 316, C replaced by G.
Protein change: p.Gln106Glu; replaces glutamine 106 with glutamic acid.
Molecular consequence: missense variant.
Genome position (GRCh38, 1-based): chr9:137,716,856, C>G. VCF-style: chr9-137716856-C-G. GRCh37 (hg19) VCF-style: chr9-140611308-C-G.
Other names: c.316C>G, p.Gln106Glu (NM_001145527.2, NM_001354263.2, NM_001354611.2); c.223C>G, p.Gln75Glu (NM_001354259.2, NM_001354612.2); short protein forms Q106E, Q75E.
Identifiers: ClinVar variation 128981 (VCV000128981.29), dbSNP rs144603232, ClinGen allele CA152704.